The following is an entry in ClinVar:

NM_001903.5(CTNNA1):c.798T>C (p.Asp266=)

Gene: CTNNA1 (catenin alpha 1; plus strand). Cytogenetic location: 5q31.2.
Variant type: single nucleotide variant.
Coding change: c.798T>C on transcript NM_001903.5 (MANE Select); coding-DNA position 798, T replaced by C.
Protein change: p.Asp266=; no amino-acid change (aspartic acid 266 retained).
Molecular consequence: synonymous variant.
Genome position (GRCh38, 1-based): chr5:138,824,739, T>C. VCF-style: chr5-138824739-T-C. GRCh37 (hg19) VCF-style: chr5-138160428-T-C.
Other names: c.798T>C, p.Asp266= (NM_001290307.3, NM_001323982.2, NM_001323983.1 and 3 more transcripts); c.489T>C, p.Asp163= (NM_001290309.3); c.429T>C, p.Asp143= (NM_001290310.3).
Identifiers: ClinVar variation 1761510 (VCV001761510.3), dbSNP rs753315633, ClinGen allele CA3431560.

ClinVar aggregate classification (germline): Benign/Likely benign. Review status: criteria provided, multiple submitters, no conflicts (2 of 4 stars). 2 submissions from 2 submitters: Benign (1); Likely benign (1). Last evaluated 2024-10-10.

Conditions:
Hereditary cancer-predisposing syndrome. Also called: Neoplastic Syndromes, Hereditary; Tumor predisposition; Hereditary neoplastic syndrome; Hereditary Cancer Syndrome. Identifiers: Orphanet 140162, MedGen C0027672, MeSH D009386, MONDO:0015356.
Hereditary diffuse gastric adenocarcinoma (HDGC). Also called: DIFFUSE GASTRIC AND LOBULAR BREAST CANCER SYNDROME. Identifiers: Orphanet 26106, MedGen C1708349, MONDO:0007648, OMIM 137215.

Allele frequency attached by ClinVar (database versions not stated): ExAC 0.00004.
gnomAD v4.1: 6 of 1,614,168 alleles (0.00037%); highest among the groups gnomAD compares: Non-Finnish European, 0.00051%; no homozygotes.

Submissions (2):

Myriad Genetics, Inc.
Classification: Benign for Hereditary diffuse gastric adenocarcinoma. Last evaluated: 2024-10-10. Review status: criteria provided, single submitter. Criteria: Myriad Autosomal Dominant, Autosomal Recessive and X-Linked Classification Criteria (2023). Collection method: clinical testing. Allele origin: unknown.
Comment: This variant is considered benign. This variant is a silent/synonymous amino acid change and it is not expected to impact splicing.

Ambry Genetics
Classification: Likely benign for Hereditary cancer-predisposing syndrome. Last evaluated: 2021-01-24. Review status: criteria provided, single submitter. Criteria: Ambry Variant Classification Scheme 2023. Collection method: clinical testing. Allele origin: germline.